The following is an entry in ClinVar:

NM_001267550.2(TTN):c.106049C>T (p.Thr35350Ile)

Genes: TTN (titin; minus strand), TTN-AS1 (TTN antisense RNA 1; plus strand), LOC129935182 (ATAC-STARR-seq lymphoblastoid active region 16807; plus strand). Cytogenetic location: 2q31.2.
Variant type: single nucleotide variant.
Coding change: c.106049C>T on transcript NM_001267550.2 (MANE Select); coding-DNA position 106049, C replaced by T.
Protein change: p.Thr35350Ile; replaces threonine 35350 with isoleucine.
Molecular consequence: missense variant.
Genome position (GRCh38, 1-based): chr2:178,530,566, G>A on the plus strand (C>T on the coding strand, the complement: TTN is on the minus strand). VCF-style: chr2-178530566-G-A. GRCh37 (hg19) VCF-style: chr2-179395293-G-A.
Other names: c.101126C>T, p.Thr33709Ile (NM_001256850.1); c.78854C>T, p.Thr26285Ile (NM_003319.4); c.98345C>T, p.Thr32782Ile (NM_133378.4); c.79229C>T, p.Thr26410Ile (NM_133432.3); c.79430C>T, p.Thr26477Ile (NM_133437.4); short protein forms T32782I, T26477I, T33709I, T26285I, T26410I, T35350I.
Identifiers: ClinVar variation 939688 (VCV000939688.6), dbSNP rs1688665396, ClinGen allele CA349407142.

ClinVar aggregate classification (germline): Uncertain significance (1 of 4 stars; one submission).

Conditions:
Dilated cardiomyopathy 1G (CMD1G). Identifiers: Orphanet 154, MedGen C1858763, MONDO:0011400, OMIM 604145.
Autosomal recessive limb-girdle muscular dystrophy type 2J (LGMDR10). Also called: Limb-girdle muscular dystrophy, type 2J; MUSCULAR DYSTROPHY, LIMB-GIRDLE, AUTOSOMAL RECESSIVE 10. Identifiers: Orphanet 140922, MedGen C1837342, MONDO:0012127, OMIM 608807.

Allele frequency attached by ClinVar (database versions not stated): gnomAD exomes 0.00001.
gnomAD v4.1: 12 of 1,614,014 alleles (0.00074%); highest among the groups gnomAD compares: Non-Finnish European, 0.001%; no homozygotes.

Submission:

Labcorp Genetics (formerly Invitae), Labcorp
Classification: Uncertain significance for Dilated cardiomyopathy 1G; Autosomal recessive limb-girdle muscular dystrophy type 2J. Last evaluated: 2019-05-20. Review status: criteria provided, single submitter. Criteria: Invitae Variant Classification Sherloc (09022015). Collection method: clinical testing. Allele origin: germline.
Comment: In summary, the available evidence is currently insufficient to determine the role of this variant in disease. Therefore, it has been classified as a Variant of Uncertain Significance. This variant has not been reported in the literature in individuals with TTN-related conditions. This variant is not present in population databases (ExAC no frequency). This sequence change replaces threonine with isoleucine at codon 35350 of the TTN protein (p.Thr35350Ile). There is a moderate physicochemical difference between threonine and isoleucine. This variant is located in the M band of TTN (PMID: 25589632). Variants in this region may be relevant for neuromuscular disorders, but have not been definitively shown to cause cardiomyopathy (PMID: 23975875). Algorithms developed to predict the effect of missense changes on protein structure and function are unavailable for the TTN gene.

Literature cited by the submitters: PubMed 25589632; PubMed 23975875.